The following is an entry in ClinVar:

ClinVar aggregate classification (germline): Uncertain significance (1 of 4 stars; one submission).

Conditions:
Hereditary cancer-predisposing syndrome. Also called: Hereditary Cancer Syndrome; Neoplastic Syndromes, Hereditary; Tumor predisposition; Hereditary neoplastic syndrome. Identifiers: Orphanet 140162, MedGen C0027672, MeSH D009386, MONDO:0015356.

Submission:

Ambry Genetics
Classification: Uncertain significance for Hereditary cancer-predisposing syndrome. Last evaluated: 2026-07-11. Review status: criteria provided, single submitter. Criteria: Ambry Variant Classification Scheme 2023. Collection method: clinical testing. Allele origin: germline.
Comment: The p.D873A variant (also known as c.2618A>C), located in coding exon 15 of the DICER1 gene, results from an A to C substitution at nucleotide position 2618. The aspartic acid at codon 873 is replaced by alanine, an amino acid with dissimilar properties. This amino acid position is conserved. In addition, the in silico prediction for this alteration is inconclusive. Based on the available evidence, the clinical significance of this variant remains unclear.

NM_177438.3(DICER1):c.2618A>C (p.Asp873Ala)

Gene: DICER1 (dicer 1, ribonuclease III; minus strand). Cytogenetic location: 14q32.13.
Variant type: single nucleotide variant.
Coding change: c.2618A>C on transcript NM_177438.3 (MANE Select); coding-DNA position 2618, A replaced by C.
Protein change: p.Asp873Ala; replaces aspartic acid 873 with alanine.
Molecular consequence: missense variant. On other transcripts: non-coding transcript variant (6).
Genome position (GRCh38, 1-based): chr14:95,107,912, T>G on the plus strand (A>C on the coding strand, the complement: DICER1 is on the minus strand). VCF-style: chr14-95107912-T-G. GRCh37 (hg19) VCF-style: chr14-95574249-T-G.
Other names: c.2618A>C, p.Asp873Ala (NM_001395694.1, NM_001395695.1, NM_030621.4 and 12 more transcripts); c.2213A>C, p.Asp738Ala (NM_001395696.1, NM_001395687.1, NM_001395688.1 and 2 more transcripts); c.935A>C, p.Asp312Ala (NM_001395697.1); c.2336A>C, p.Asp779Ala (NM_001395686.1); c.2051A>C, p.Asp684Ala (NM_001395691.1); short protein forms D312A, D779A, D873A, D738A, D684A.
Identifiers: ClinVar variation 5035289 (VCV005035289.1).
Genomic context (GRCh38, chr14:95,107,912, plus strand): 5'-TTATCAAAGTAAGAGATTTTTTTCTTACCAACATTAAGAGGTAGAACACAGTATGCTGAA[T>G]CAGCGTCTGTAGGTTTAAATTCTAGTGCAGGTTTTTCAAGCCGAAGAATATGTGAGAATA-3'
Protein context (NP_803187.1, residues 863-883): PALEFKPTDA[Asp873Ala]SAYCVLPLNV